The following is an entry in ClinVar:

NM_201384.3(PLEC):c.9421G>A (p.Gly3141Ser)

Gene: PLEC (plectin; minus strand). Cytogenetic location: 8q24.3.
Variant type: single nucleotide variant.
Coding change: c.9421G>A on transcript NM_201384.3 (MANE Select); coding-DNA position 9421, G replaced by A.
Protein change: p.Gly3141Ser; replaces glycine 3141 with serine.
Molecular consequence: missense variant.
Genome position (GRCh38, 1-based): chr8:143,920,400, C>T on the plus strand (G>A on the coding strand, the complement: PLEC is on the minus strand). VCF-style: chr8-143920400-C-T. GRCh37 (hg19) VCF-style: chr8-144994568-C-T.
Other names: c.9502G>A, p.Gly3168Ser (NM_000445.5); c.6121G>A, p.Gly2041Ser (NM_001410941.1); c.9379G>A, p.Gly3127Ser (NM_201378.4); c.9355G>A, p.Gly3119Ser (NM_201379.3); c.9832G>A, p.Gly3278Ser (NM_201380.4); c.9325G>A, p.Gly3109Ser (NM_201381.3); c.9421G>A, p.Gly3141Ser (NM_201382.4); c.9433G>A, p.Gly3145Ser (NM_201383.3); short protein forms G3141S, G3109S, G3168S, G3278S, G3119S, G3127S, G3145S, G2041S.
Identifiers: ClinVar variation 2174244 (VCV002174244.4), dbSNP rs1554681627, ClinGen allele CA372509572.

ClinVar aggregate classification (germline): Uncertain significance (1 of 4 stars; one submission).

Conditions:
Epidermolysis bullosa simplex 5B, with muscular dystrophy (EBS5B). Also called: EPIDERMOLYSIS BULLOSA SIMPLEX AND LIMB-GIRDLE MUSCULAR DYSTROPHY; Epidermolysis bullosa simplex with muscular dystrophy. Identifiers: Orphanet 257, MedGen C2931072, MONDO:0009181, OMIM 226670.
Autosomal recessive limb-girdle muscular dystrophy type 2Q (LGMDR17). Also called: MUSCULAR DYSTROPHY, LIMB-GIRDLE, AUTOSOMAL RECESSIVE 17. Identifiers: Orphanet 254361, MedGen C3150989, MONDO:0013390, OMIM 613723.
Epidermolysis bullosa simplex, Ogna type (EBS5A). Also called: Pidermolysis bullosa simplex 5A, Ogna type; EPIDERMOLYSIS BULLOSA SIMPLEX 5A, OGNA TYPE. Identifiers: Orphanet 79401, MedGen C0432317, MONDO:0007555, OMIM 131950.
Epidermolysis bullosa simplex 5C, with pyloric atresia (EBS5C). Also called: PLEC-Related Epidermolysis Bullosa with Pyloric Atresia; Epidermolysis bullosa simplex with pyloric atresia; PLEC1-Related Epidermolysis Bullosa with Pyloric Atresia. Identifiers: Orphanet 158684, MedGen C2677349, MONDO:0012807, OMIM 612138.
Epidermolysis bullosa simplex with nail dystrophy (EBS5D). Identifiers: MedGen C4225309, MONDO:0014661, OMIM 616487.

Submission:

Labcorp Genetics (formerly Invitae), Labcorp
Classification: Uncertain significance for Autosomal recessive limb-girdle muscular dystrophy type 2Q; Epidermolysis bullosa simplex, Ogna type; Epidermolysis bullosa simplex with nail dystrophy; Epidermolysis bullosa simplex 5C, with pyloric atresia; Epidermolysis bullosa simplex 5B, with muscular dystrophy. Last evaluated: 2022-07-09. Review status: criteria provided, single submitter. Criteria: Invitae Variant Classification Sherloc (09022015). Collection method: clinical testing. Allele origin: germline.
Comment: In summary, the available evidence is currently insufficient to determine the role of this variant in disease. Therefore, it has been classified as a Variant of Uncertain Significance. This sequence change replaces glycine, which is neutral and non-polar, with serine, which is neutral and polar, at codon 3168 of the PLEC protein (p.Gly3168Ser). This variant is not present in population databases (gnomAD no frequency). This variant has not been reported in the literature in individuals affected with PLEC-related conditions. Algorithms developed to predict the effect of missense changes on protein structure and function are either unavailable or do not agree on the potential impact of this missense change (SIFT: "Deleterious"; PolyPhen-2: "Probably Damaging"; Align-GVGD: "Class C0").